The following is an entry in ClinVar:

ClinVar aggregate classification (germline): Uncertain significance. Review status: criteria provided, multiple submitters, no conflicts (2 of 4 stars). 2 submissions from 2 submitters: Uncertain significance (2). Last evaluated 2024-07-11.

Conditions:
Hereditary cancer-predisposing syndrome. Also called: Hereditary neoplastic syndrome; Neoplastic Syndromes, Hereditary; Tumor predisposition; Hereditary Cancer Syndrome. Identifiers: Orphanet 140162, MedGen C0027672, MeSH D009386, MONDO:0015356.
Hereditary diffuse gastric adenocarcinoma (HDGC). Also called: DIFFUSE GASTRIC AND LOBULAR BREAST CANCER SYNDROME. Identifiers: Orphanet 26106, MedGen C1708349, MONDO:0007648, OMIM 137215.

Submissions (2):

Ambry Genetics
Classification: Uncertain significance for Hereditary cancer-predisposing syndrome. Last evaluated: 2024-07-11. Review status: criteria provided, single submitter. Criteria: Ambry Variant Classification Scheme 2023. Collection method: clinical testing. Allele origin: germline.
Comment: The p.N849S variant (also known as c.2546A>G), located in coding exon 16 of the CDH1 gene, results from an A to G substitution at nucleotide position 2546. The asparagine at codon 849 is replaced by serine, an amino acid with highly similar properties. This amino acid position is conserved. In addition, this alteration is predicted to be tolerated by in silico analysis. Based on the available evidence, the clinical significance of this variant remains unclear.

Labcorp Genetics (formerly Invitae), Labcorp
Classification: Uncertain significance for Hereditary diffuse gastric adenocarcinoma. Last evaluated: 2023-04-14. Review status: criteria provided, single submitter. Criteria: Invitae Variant Classification Sherloc (09022015). Collection method: clinical testing. Allele origin: germline.
Comment: In summary, the available evidence is currently insufficient to determine the role of this variant in disease. Therefore, it has been classified as a Variant of Uncertain Significance. An algorithm developed to predict the effect of missense changes on protein structure and function (PolyPhen-2) suggests that this variant is likely to be disruptive. ClinVar contains an entry for this variant (Variation ID: 1023240). This variant has not been reported in the literature in individuals affected with CDH1-related conditions. This variant is not present in population databases (gnomAD no frequency). This sequence change replaces asparagine, which is neutral and polar, with serine, which is neutral and polar, at codon 849 of the CDH1 protein (p.Asn849Ser).

NM_004360.5(CDH1):c.2546A>G (p.Asn849Ser)

Gene: CDH1 (cadherin 1; plus strand). Cytogenetic location: 16q22.1.
Variant type: single nucleotide variant.
Coding change: c.2546A>G on transcript NM_004360.5 (MANE Select); coding-DNA position 2546, A replaced by G.
Protein change: p.Asn849Ser; replaces asparagine 849 with serine.
Molecular consequence: missense variant.
Genome position (GRCh38, 1-based): chr16:68,833,396, A>G. VCF-style: chr16-68833396-A-G. GRCh37 (hg19) VCF-style: chr16-68867299-A-G.
Other names: c.2363A>G, p.Asn788Ser (NM_001317184.2); c.998A>G, p.Asn333Ser (NM_001317185.2); c.581A>G, p.Asn194Ser (NM_001317186.2); c.2546A>G (NM_004360.3); short protein forms N194S, N333S, N788S, N849S.
Identifiers: ClinVar variation 1023240 (VCV001023240.11), dbSNP rs1961539722, ClinGen allele CA396472378.